The following is an entry in ClinVar:

NM_000493.4(COL10A1):c.1471C>G (p.Pro491Ala)

Genes: COL10A1 (collagen type X alpha 1 chain; minus strand), NT5DC1 (5'-nucleotidase domain containing 1; plus strand). Cytogenetic location: 6q22.1.
Variant type: single nucleotide variant.
Coding change: c.1471C>G on transcript NM_000493.4 (MANE Select); coding-DNA position 1471, C replaced by G.
Protein change: p.Pro491Ala; replaces proline 491 with alanine.
Molecular consequence: missense variant. On other transcripts: intron variant (1).
Genome position (GRCh38, 1-based): chr6:116,120,645, G>C on the plus strand (C>G on the coding strand, the complement: COL10A1 is on the minus strand). VCF-style: chr6-116120645-G-C. GRCh37 (hg19) VCF-style: chr6-116441808-G-C.
Other names: c.1471C>G, p.Pro491Ala (NM_001424106.1, NM_001424107.1); c.529+2700G>C (NM_152729.3); short protein forms P491A.
Identifiers: ClinVar variation 1956470 (VCV001956470.5), dbSNP rs1441733997, ClinGen allele CA365387957.

ClinVar aggregate classification (germline): Uncertain significance (1 of 4 stars; one submission).

Allele frequency attached by ClinVar (database versions not stated): TOPMed below 0.00001.
gnomAD v4.1: 1 of 1,548,704 alleles (0.000065%); no homozygotes.

Submission:

Labcorp Genetics (formerly Invitae), Labcorp
Classification: Uncertain significance. Last evaluated: 2022-05-06. Review status: criteria provided, single submitter. Criteria: Invitae Variant Classification Sherloc (09022015). Collection method: clinical testing. Allele origin: germline.
Comment: This variant has not been reported in the literature in individuals affected with COL10A1-related conditions. This variant is not present in population databases (gnomAD no frequency). This sequence change replaces proline, which is neutral and non-polar, with alanine, which is neutral and non-polar, at codon 491 of the COL10A1 protein (p.Pro491Ala). In summary, the available evidence is currently insufficient to determine the role of this variant in disease. Therefore, it has been classified as a Variant of Uncertain Significance. Algorithms developed to predict the effect of missense changes on protein structure and function are either unavailable or do not agree on the potential impact of this missense change (SIFT: "Tolerated"; PolyPhen-2: "Not Available"; Align-GVGD: "Class C0").